The following is an entry in ClinVar:

NM_002299.4(LCT):c.2393C>T (p.Ala798Val)

Gene: LCT (lactase; minus strand). Cytogenetic location: 2q21.3.
Variant type: single nucleotide variant.
Coding change: c.2393C>T on transcript NM_002299.4 (MANE Select); coding-DNA position 2393, C replaced by T.
Protein change: p.Ala798Val; replaces alanine 798 with valine.
Molecular consequence: missense variant.
Genome position (GRCh38, 1-based): chr2:135,809,954, G>A on the plus strand (C>T on the coding strand, the complement: LCT is on the minus strand). VCF-style: chr2-135809954-G-A. GRCh37 (hg19) VCF-style: chr2-136567524-G-A.
Other names: short protein forms A798V.
Identifiers: ClinVar variation 1470065 (VCV001470065.8), dbSNP rs536149502, ClinGen allele CA1888233.

ClinVar aggregate classification (germline): Uncertain significance (1 of 4 stars; one submission).

Allele frequency attached by ClinVar (database versions not stated): gnomAD exomes below 0.00001; TOPMed below 0.00001; ExAC 0.00001; gnomAD 0.00001; 1000 Genomes Project 0.00020; 1000 Genomes Project 30x 0.00031.
gnomAD v4.1: 1 of 1,613,988 alleles (0.000062%); highest among the groups gnomAD compares: Non-Finnish European, 0.000085%; no homozygotes.

Submission:

Labcorp Genetics (formerly Invitae), Labcorp
Classification: Uncertain significance. Last evaluated: 2022-01-06. Review status: criteria provided, single submitter. Criteria: Invitae Variant Classification Sherloc (09022015). Collection method: clinical testing. Allele origin: germline.
Comment: This variant has not been reported in the literature in individuals affected with LCT-related conditions. This variant is present in population databases (rs536149502, gnomAD 0.0009%). This sequence change replaces alanine, which is neutral and non-polar, with valine, which is neutral and non-polar, at codon 798 of the LCT protein (p.Ala798Val). Algorithms developed to predict the effect of missense changes on protein structure and function output the following: SIFT: "Not Available"; PolyPhen-2: "Benign"; Align-GVGD: "Not Available". The valine amino acid residue is found in multiple mammalian species, which suggests that this missense change does not adversely affect protein function. In summary, the available evidence is currently insufficient to determine the role of this variant in disease. Therefore, it has been classified as a Variant of Uncertain Significance.